The following is an entry in ClinVar:

NM_001257293.2(HNRNPH1):c.922-2_922del

Genes: HNRNPH1 (heterogeneous nuclear ribonucleoprotein H1; minus strand), LOC128966623 (uncharacterized LOC128966623; plus strand). Cytogenetic location: 5q35.3.
Variant type: Deletion.
Coding change: c.922-2_922del on transcript NM_001257293.2 (MANE Select); the canonical splice acceptor site of the intron before coding-DNA position 922 through coding-DNA position 922, 3 bases deleted (AGT; older notation c.922-2_922delAGT).
Molecular consequence: splice acceptor variant.
Genome position (GRCh38, 1-based): chr5:179,617,649-179,617,651, ACT deleted on the plus strand (AGT on the coding strand, the reverse complement: HNRNPH1 is on the minus strand); deleting any 3 consecutive bases within chr5:179,617,649-179,617,653 gives the same sequence; the c. name uses the placement nearest the transcript's 3' end. VCF-style (leftmost placement, unchanged base first): chr5-179617648-AACT-A. GRCh37 (hg19) VCF-style: chr5-179044649-AACT-A.
Other names: c.766-2_766del (NM_001364250.2); c.319-2_319del (NM_001364252.2, NM_001364255.2, NM_001395195.1 and 4 more transcripts); c.901-2_901del (NM_001395179.1, NM_001395186.1, NM_001364248.2 and 6 more transcripts); c.922-2_922del (NM_001395177.1, NM_001364246.2, NM_001395178.1 and 27 more transcripts); c.604-2_604del (NM_001395191.1, NM_001395192.1); c.511-2_511del (NM_001395193.1); c.691-2_691del (NM_001395190.1).
Identifiers: ClinVar variation 5022679 (VCV005022679.1).

ClinVar aggregate classification (germline): Uncertain significance (1 of 4 stars; one submission).

Conditions:
Inborn genetic diseases. Identifiers: MedGen C0950123, MeSH D030342.

Submission:

Ambry Genetics
Classification: Uncertain significance for Inborn genetic diseases. Last evaluated: 2026-06-29. Review status: criteria provided, single submitter. Criteria: Ambry Variant Classification Scheme 2023. Collection method: clinical testing. Allele origin: germline.
Comment: The c.922-2_922delAGT variant consists of a deletion of 3 nucleotides between positions c.922-2 and c.922 and involves the canonical splice acceptor site before exon 9 (coding exon 8) of the HNRNPH1 gene. Variants that disrupt the canonical splice site are expected to cause aberrant splicing, resulting in an abnormal protein or a transcript that is subject to nonsense-mediated mRNA decay. However, loss of function of HNRNPH1 has not been established as a mechanism of disease. This variant was not reported in population-based cohorts in the Genome Aggregation Database (gnomAD). These nucleotide positions are highly conserved in available vertebrate species. In silico splice site analysis predicts that this alteration will weaken the native splice acceptor site and will result in the creation or strengthening of a novel splice acceptor site. Based on insufficient or conflicting evidence, the clinical significance of this alteration remains unclear.